The following is an entry in ClinVar:

ClinVar aggregate classification (germline): Uncertain significance (1 of 4 stars; one submission).

Conditions:
Wilms tumor 1 (WT1). Also called: Wilms tumor, somatic. Identifiers: Orphanet 654, MedGen CN033288, MONDO:0008679, OMIM 194070.

Submission:

Labcorp Genetics (formerly Invitae), Labcorp
Classification: Uncertain significance for Wilms tumor 1. Last evaluated: 2023-02-01. Review status: criteria provided, single submitter. Criteria: Invitae Variant Classification Sherloc (09022015). Collection method: clinical testing. Allele origin: germline.
Comment: In summary, the available evidence is currently insufficient to determine the role of this variant in disease. Therefore, it has been classified as a Variant of Uncertain Significance. Advanced modeling of protein sequence and biophysical properties (such as structural, functional, and spatial information, amino acid conservation, physicochemical variation, residue mobility, and thermodynamic stability) has been performed at Invitae for this missense variant, however the output from this modeling did not meet the statistical confidence thresholds required to predict the impact of this variant on GPC3 protein function. This variant has not been reported in the literature in individuals affected with GPC3-related conditions. This variant is not present in population databases (gnomAD no frequency). This sequence change replaces isoleucine, which is neutral and non-polar, with asparagine, which is neutral and polar, at codon 313 of the GPC3 protein (p.Ile313Asn).

NM_004484.4(GPC3):c.938T>A (p.Ile313Asn)

Gene: GPC3 (glypican 3; minus strand). Cytogenetic location: Xq26.2.
Variant type: single nucleotide variant.
Coding change: c.938T>A on transcript NM_004484.4 (MANE Select); coding-DNA position 938, T replaced by A.
Protein change: p.Ile313Asn; replaces isoleucine 313 with asparagine.
Molecular consequence: missense variant.
Genome position (GRCh38, 1-based): chrX:133,753,576, A>T on the plus strand (T>A on the coding strand, the complement: GPC3 is on the minus strand). VCF-style: chrX-133753576-A-T. GRCh37 (hg19) VCF-style: chrX-132887603-A-T.
Other names: c.938T>A, p.Ile313Asn (NM_001164617.2); c.890T>A, p.Ile297Asn (NM_001164618.2); c.776T>A, p.Ile259Asn (NM_001164619.2); short protein forms I297N, I313N, I259N.
Identifiers: ClinVar variation 2738489 (VCV002738489.3), dbSNP rs2521353436, ClinGen allele CA414705209.
Genomic context (GRCh38, chrX:133,753,576, plus strand): 5'-TACTGGATAGAATCATGGATTGTTGAAAAGAGACCAAGCAGTACGTTCTCCATGTCATAG[A>T]TTCTGTACATGCCATTCACAAGTTCTTCAAGGGACAGAATGTATTCTCTCCAGTACTTGT-3'
Protein context (NP_004475.1, residues 303-323): LEELVNGMYR[Ile313Asn]YDMENVLLGL